The following is an entry in ClinVar:

ClinVar aggregate classification (germline): Uncertain significance (1 of 4 stars; one submission).

gnomAD v4.1: 3 of 1,613,880 alleles (0.00019%); highest among the groups gnomAD compares: African/African-American, 0.0027%; no homozygotes.

Submission:

Labcorp Genetics (formerly Invitae), Labcorp
Classification: Uncertain significance. Last evaluated: 2025-08-15. Review status: criteria provided, single submitter. Criteria: Invitae Variant Classification Sherloc (09022015). Collection method: clinical testing. Allele origin: germline.
Comment: This sequence change replaces arginine, which is basic and polar, with leucine, which is neutral and non-polar, at codon 147 of the ASRGL1 protein (p.Arg147Leu). This variant is not present in population databases (gnomAD no frequency). This variant has not been reported in the literature in individuals affected with ASRGL1-related conditions. ClinVar contains an entry for this variant (Variation ID: 951134). An algorithm developed to predict the effect of missense changes on protein structure and function outputs the following: PolyPhen-2: "Benign". The leucine amino acid residue is found in multiple mammalian species, which suggests that this missense change does not adversely affect protein function. In summary, the available evidence is currently insufficient to determine the role of this variant in disease. Therefore, it has been classified as a Variant of Uncertain Significance.

NM_001083926.2(ASRGL1):c.440G>T (p.Arg147Leu)

Gene: ASRGL1 (asparaginase and isoaspartyl peptidase 1; plus strand). Cytogenetic location: 11q12.3.
Variant type: single nucleotide variant.
Coding change: c.440G>T on transcript NM_001083926.2 (MANE Select); coding-DNA position 440, G replaced by T.
Protein change: p.Arg147Leu; replaces arginine 147 with leucine.
Molecular consequence: missense variant.
Genome position (GRCh38, 1-based): chr11:62,357,093, G>T. VCF-style: chr11-62357093-G-T. GRCh37 (hg19) VCF-style: chr11-62124565-G-T.
Other names: c.440G>T, p.Arg147Leu (NM_025080.4); short protein forms R147L.
Identifiers: ClinVar variation 951134 (VCV000951134.6), dbSNP rs746969296, ClinGen allele CA380866107.
Genomic context (GRCh38, chr11:62,357,093, plus strand): 5'-CAGCTATGGGGGTTCCAGAGATTCCTGGAGAAAAACTGGTGACAGAGAGAAACAAAAAGC[G>T]CCTGGAAAAAGAGAAGCATGAAAAAGGTGCTCAGAAAACAGATTGTCAAAAGTAAGTCTT-3'
Protein context (NP_001077395.1, residues 137-157): EKLVTERNKK[Arg147Leu]LEKEKHEKGA